The following is an entry in ClinVar:

ClinVar aggregate classification (germline): Uncertain significance (1 of 4 stars; one submission).

gnomAD v4.1: 4 of 1,612,380 alleles (0.00025%); highest among the groups gnomAD compares: Non-Finnish European, 0.00034%; no homozygotes.

Submission:

GeneDx
Classification: Uncertain significance. Last evaluated: 2025-01-16. Review status: criteria provided, single submitter. Criteria: GeneDx Variant Classification Process June 2021. Collection method: clinical testing. Allele origin: germline. Affected: yes.
Comment: Not observed at significant frequency in large population cohorts (gnomAD); In silico analysis indicates that this missense variant does not alter protein structure/function; Has not been previously published as pathogenic or benign to our knowledge

NM_000719.7(CACNA1C):c.5530G>A (p.Asp1844Asn)

Genes: CACNA1C (calcium voltage-gated channel subunit alpha1 C; plus strand), CACNA1C-AS1 (CACNA1C antisense RNA 1; minus strand). Cytogenetic location: 12p13.33.
Variant type: single nucleotide variant.
Coding change: c.5530G>A on transcript NM_000719.7 (MANE Select); coding-DNA position 5530, G replaced by A.
Protein change: p.Asp1844Asn; replaces aspartic acid 1844 with asparagine.
Molecular consequence: missense variant.
Genome position (GRCh38, 1-based): chr12:2,682,635, G>A. VCF-style: chr12-2682635-G-A. GRCh37 (hg19) VCF-style: chr12-2791801-G-A.
Other names: c.5674G>A, p.Asp1892Asn (NM_001129827.2); c.5653G>A, p.Asp1885Asn (NM_001129829.2); c.5635G>A, p.Asp1879Asn (NM_001129830.3, NM_001167624.3); c.5614G>A, p.Asp1872Asn (NM_001129831.2); c.5590G>A, p.Asp1864Asn (NM_001129832.2); c.5587G>A, p.Asp1863Asn (NM_001129833.2, NM_001129834.2, NM_001129835.2); c.5581G>A, p.Asp1861Asn (NM_001129836.2); c.5554G>A, p.Asp1852Asn (NM_001129837.2, NM_001129838.2); and 6 more; short protein forms D1833N, D1841N, D1844N, D1850N, D1852N, D1861N, D1863N, D1864N.
Identifiers: ClinVar variation 4071647 (VCV004071647.1).